The following is an entry in ClinVar:

NM_000455.5(STK11):c.1109-1G>C

Gene: STK11 (serine/threonine kinase 11; plus strand). Cytogenetic location: 19p13.3.
Variant type: single nucleotide variant.
Coding change: c.1109-1G>C on transcript NM_000455.5 (MANE Select); the canonical splice acceptor site of the intron before coding-DNA position 1109, G replaced by C.
Molecular consequence: splice acceptor variant.
Genome position (GRCh38, 1-based): chr19:1,226,453, G>C. VCF-style: chr19-1226453-G-C. GRCh37 (hg19) VCF-style: chr19-1226452-G-C.
Identifiers: ClinVar variation 4551320 (VCV004551320.1).

ClinVar aggregate classification (germline): Uncertain significance (1 of 4 stars; one submission).

Conditions:
Hereditary cancer-predisposing syndrome. Also called: Tumor predisposition; Hereditary Cancer Syndrome; Hereditary neoplastic syndrome; Neoplastic Syndromes, Hereditary. Identifiers: Orphanet 140162, MedGen C0027672, MeSH D009386, MONDO:0015356.

Submission:

Ambry Genetics
Classification: Uncertain significance for Hereditary cancer-predisposing syndrome. Last evaluated: 2025-11-04. Review status: criteria provided, single submitter. Criteria: Ambry Variant Classification Scheme 2023. Collection method: clinical testing. Allele origin: germline.
Comment: The c.1109-1G>C intronic variant results from a G to C substitution one nucleotide upstream from coding exon 9 of the STK11 gene. This alteration occurs at the 3' terminus of the gene, is not expected to trigger nonsense-mediated mRNAdecay, and only impacts the last 14% of the native protein. The exact functional effect of the altered amino acids is unknown. This nucleotide position is highly conserved in available vertebrate species. In silico splice site analysis predicts that this alteration will weaken the native splice acceptor site. Based on the available evidence, the clinical significance of this variant remains unclear.